The following is an entry in ClinVar:

ClinVar aggregate classification (germline): Conflicting classifications of pathogenicity. Review status: criteria provided, conflicting classifications (1 of 4 stars). 6 submissions from 6 submitters: Uncertain significance (5); Likely benign (1). Last evaluated 2026-01-28.

Conditions:
Breast-ovarian cancer, familial, susceptibility to, 3. Also called: RAD51C-Related Breast/Ovarian Cancer. Identifiers: Orphanet 145, MedGen C3150659, MONDO:0013253, OMIM 613399.
Fanconi anemia complementation group O. Also called: RAD51C-Related Fanconi Anemia. Identifiers: Orphanet 84, MedGen C3150653, MONDO:0013248, OMIM 613390.
RAD51C-related disorder. Also called: RAD51C-related disorders; RAD51C-related condition.
Hereditary cancer-predisposing syndrome. Also called: Tumor predisposition; Hereditary neoplastic syndrome; Neoplastic Syndromes, Hereditary; Hereditary Cancer Syndrome. Identifiers: Orphanet 140162, MedGen C0027672, MeSH D009386, MONDO:0015356.

Allele frequency attached by ClinVar (database versions not stated): gnomAD exomes 0.00001; TOPMed 0.00002.
gnomAD v4.1: 3 of 1,613,628 alleles (0.00019%); highest among the groups gnomAD compares: Admixed American, 0.005%; no homozygotes.

Submissions (6):

Labcorp Genetics (formerly Invitae), Labcorp
Classification: Uncertain significance for Fanconi anemia complementation group O. Last evaluated: 2026-01-28. Review status: criteria provided, single submitter. Criteria: Invitae Variant Classification Sherloc (09022015). Collection method: clinical testing. Allele origin: germline.
Comment: This sequence change replaces cysteine, which is neutral and slightly polar, with serine, which is neutral and polar, at codon 124 of the RAD51C protein (p.Cys124Ser). This variant is present in population databases (no rsID available, gnomAD 0.006%). This variant has not been reported in the literature in individuals affected with RAD51C-related conditions. ClinVar contains an entry for this variant (Variation ID: 496503). Invitae Evidence Modeling of protein sequence and biophysical properties (such as structural, functional, and spatial information, amino acid conservation, physicochemical variation, residue mobility, and thermodynamic stability) indicates that this missense variant is not expected to disrupt RAD51C protein function with a negative predictive value of 80%. In summary, the available evidence is currently insufficient to determine the role of this variant in disease. Therefore, it has been classified as a Variant of Uncertain Significance.

Ambry Genetics
Classification: Likely benign for Hereditary cancer-predisposing syndrome. Last evaluated: 2025-10-24. Review status: criteria provided, single submitter. Criteria: Ambry Variant Classification Scheme 2023. Collection method: clinical testing. Allele origin: germline.

GeneDx
Classification: Uncertain significance. Last evaluated: 2024-08-08. Review status: criteria provided, single submitter. Criteria: GeneDx Variant Classification Process June 2021. Collection method: clinical testing. Allele origin: germline.
Comment: Not observed at significant frequency in large population cohorts (gnomAD); In silico analysis supports that this missense variant has a deleterious effect on protein structure/function; Has not been previously published as pathogenic or benign to our knowledge; This variant is associated with the following publications: (PMID: 14704354)

Baylor Genetics
Classification: Uncertain significance for Breast-ovarian cancer, familial, susceptibility to, 3. Last evaluated: 2024-02-11. Review status: criteria provided, single submitter. Criteria: ACMG Guidelines, 2015. Collection method: clinical testing. Allele origin: unknown.

PreventionGenetics, part of Exact Sciences
Classification: Uncertain significance for RAD51C-related condition. Last evaluated: 2023-05-17. Review status: criteria provided, single submitter. Criteria: ACMG Guidelines, 2015. Collection method: clinical testing. Allele origin: germline.
Comment: The RAD51C c.370T>A variant is predicted to result in the amino acid substitution p.Cys124Ser. To our knowledge, this variant has not been reported in the literature. This variant is reported in 2 of ~251,000 alleles in gnomAD. It is interpreted as uncertain significance in ClinVar. At this time, the clinical significance of this variant is uncertain due to the absence of conclusive functional and genetic evidence.

Women's Health and Genetics/Laboratory Corporation of America, LabCorp
Classification: Uncertain significance. Last evaluated: 2019-02-08. Review status: criteria provided, single submitter. Criteria: LabCorp Variant Classification Summary - May 2015. Collection method: clinical testing. Allele origin: germline.
Comment: Variant summary: RAD51C c.370T>A (p.Cys124Ser) results in a non-conservative amino acid change located in the DNA recombination and repair protein RecA-like, ATP-binding domain of the encoded protein sequence. Four of five in-silico tools predict a damaging effect of the variant on protein function. The variant allele was found at a frequency of 8.2e-06 in 245370 control chromosomes. The available data on variant occurrences in the general population are insufficient to allow any conclusion about variant significance. To our knowledge, no occurrence of c.370T>A in individuals affected with Hereditary Breast and Ovarian Cancer and no experimental evidence demonstrating its impact on protein function have been reported. No clinical diagnostic laboratories have submitted clinical-significance assessments for this variant to ClinVar after 2014. Based on the evidence outlined above, the variant was classified as uncertain significance.

Literature cited by the submitters: PubMed 37253112 (cited by Ambry Genetics).

NM_058216.3(RAD51C):c.370T>A (p.Cys124Ser)

Gene: RAD51C (RAD51 paralog C; plus strand). Cytogenetic location: 17q22.
Variant type: single nucleotide variant.
Coding change: c.370T>A on transcript NM_058216.3 (MANE Select); coding-DNA position 370, T replaced by A.
Protein change: p.Cys124Ser; replaces cysteine 124 with serine.
Molecular consequence: missense variant. On other transcripts: non-coding transcript variant (2).
Genome position (GRCh38, 1-based): chr17:58,695,155, T>A. VCF-style: chr17-58695155-T-A. GRCh37 (hg19) VCF-style: chr17-56772516-T-A.
Other names: c.370T>A, p.Cys124Ser (NM_002876.4); short protein forms C124S.
Identifiers: ClinVar variation 496503 (VCV000496503.21), dbSNP rs1273995533, ClinGen allele CA400341811.